The following is an entry in ClinVar:

NM_182643.3(DLC1):c.3257G>A (p.Arg1086His)

Gene: DLC1 (DLC1 Rho GTPase activating protein; minus strand). Cytogenetic location: 8p22.
Variant type: single nucleotide variant.
Coding change: c.3257G>A on transcript NM_182643.3 (MANE Select); coding-DNA position 3257, G replaced by A.
Protein change: p.Arg1086His; replaces arginine 1086 with histidine.
Molecular consequence: missense variant.
Genome position (GRCh38, 1-based): chr8:13,095,156, C>T on the plus strand (G>A on the coding strand, the complement: DLC1 is on the minus strand). VCF-style: chr8-13095156-C-T. GRCh37 (hg19) VCF-style: chr8-12952665-C-T.
Other names: c.1724G>A, p.Arg575His (NM_001164271.2, NM_001348082.2, NM_001348083.1 and 6 more transcripts); c.2048G>A, p.Arg683His (NM_001316668.2, NM_001413129.1); c.3257G>A, p.Arg1086His (NM_001348081.2, NM_001413124.1); c.2039G>A, p.Arg680His (NM_001413130.1); c.1697G>A, p.Arg566His (NM_001413131.1, NM_001413137.1); c.2183G>A, p.Arg728His (NM_001413132.1); c.1946G>A, p.Arg649His (NM_001413135.1, NM_001413136.1, NM_001413139.1 and 1 more transcripts); c.2081G>A, p.Arg694His (NM_001413140.1); short protein forms R1086H, R566H, R575H, R649H, R680H, R683H, R694H, R728H.
Identifiers: ClinVar variation 3617866 (VCV003617866.2).

ClinVar aggregate classification (germline): Uncertain significance (1 of 4 stars; one submission).

gnomAD v4.1: 22 of 1,614,240 alleles (0.0014%); highest among the groups gnomAD compares: Non-Finnish European, 0.0017%; no homozygotes.

Submission:

Labcorp Genetics (formerly Invitae), Labcorp
Classification: Uncertain significance. Last evaluated: 2025-07-28. Review status: criteria provided, single submitter. Criteria: Invitae Variant Classification Sherloc (09022015). Collection method: clinical testing. Allele origin: germline.
Comment: This sequence change replaces arginine, which is basic and polar, with histidine, which is basic and polar, at codon 1086 of the DLC1 protein (p.Arg1086His). This variant is present in population databases (rs544550072, gnomAD 0.007%). This variant has not been reported in the literature in individuals affected with DLC1-related conditions. ClinVar contains an entry for this variant (Variation ID: 3617866). An algorithm developed to predict the effect of missense changes on protein structure and function (PolyPhen-2) suggests that this variant is likely to be disruptive. In summary, the available evidence is currently insufficient to determine the role of this variant in disease. Therefore, it has been classified as a Variant of Uncertain Significance.